The following is an entry in ClinVar:

NM_015559.3(SETBP1):c.2897T>A (p.Val966Glu)

Gene: SETBP1 (SET binding protein 1; plus strand). Cytogenetic location: 18q12.3.
Variant type: single nucleotide variant.
Coding change: c.2897T>A on transcript NM_015559.3 (MANE Select); coding-DNA position 2897, T replaced by A.
Protein change: p.Val966Glu; replaces valine 966 with glutamic acid.
Molecular consequence: missense variant.
Genome position (GRCh38, 1-based): chr18:44,952,237, T>A. VCF-style: chr18-44952237-T-A. GRCh37 (hg19) VCF-style: chr18-42532202-T-A.
Other names: c.2897T>A, p.Val966Glu (NM_001379141.1, NM_001379142.1, NM_001410862.1); short protein forms V966E.
Identifiers: ClinVar variation 4744279 (VCV004744279.1).

ClinVar aggregate classification (germline): Uncertain significance (1 of 4 stars; one submission).

Submission:

Labcorp Genetics (formerly Invitae), Labcorp
Classification: Uncertain significance. Last evaluated: 2025-06-12. Review status: criteria provided, single submitter. Criteria: Invitae Variant Classification Sherloc (09022015). Collection method: clinical testing. Allele origin: germline.
Comment: This sequence change replaces valine, which is neutral and non-polar, with glutamic acid, which is acidic and polar, at codon 966 of the SETBP1 protein (p.Val966Glu). This variant is not present in population databases (gnomAD no frequency). This variant has not been reported in the literature in individuals affected with SETBP1-related conditions. Invitae Evidence Modeling of protein sequence and biophysical properties (such as structural, functional, and spatial information, amino acid conservation, physicochemical variation, residue mobility, and thermodynamic stability) indicates that this missense variant is not expected to disrupt SETBP1 protein function with a negative predictive value of 80%. In summary, the available evidence is currently insufficient to determine the role of this variant in disease. Therefore, it has been classified as a Variant of Uncertain Significance.